The following is an entry in ClinVar:

ClinVar aggregate classification (germline): Pathogenic/Likely pathogenic. Review status: criteria provided, multiple submitters, no conflicts (2 of 4 stars). 3 submissions from 3 submitters: Pathogenic (1); Likely pathogenic (1). 1 of the submissions does not count toward it. Last evaluated 2025-11-13.

Conditions:
PRPH2-related disorder. Also called: PRPH2-related condition; PRPH2-related disorders. Identifiers: MedGen CN239395.

Submissions (3):

Labcorp Genetics (formerly Invitae), Labcorp
Classification: Pathogenic for PRPH2-related disorder. Last evaluated: 2025-11-13. Review status: criteria provided, single submitter. Criteria: Invitae Variant Classification Sherloc (09022015). Collection method: clinical testing. Allele origin: germline.
Comment: This sequence change replaces asparagine, which is neutral and polar, with histidine, which is basic and polar, at codon 215 of the PRPH2 protein (p.Asn215His). This variant is not present in population databases (gnomAD no frequency). This missense change has been observed in individuals with autosomal dominant retinitis pigmentosa (PMID: 25472526; internal data). ClinVar contains an entry for this variant (Variation ID: 1175294). Invitae Evidence Modeling of protein sequence and biophysical properties (such as structural, functional, and spatial information, amino acid conservation, physicochemical variation, residue mobility, and thermodynamic stability) indicates that this missense variant is expected to disrupt PRPH2 protein function with a positive predictive value of 95%. This variant disrupts the p.Asn215 amino acid residue in PRPH2. Other variant(s) that disrupt this residue have been determined to be pathogenic (PMID: 29847639; internal data). This suggests that this residue is clinically significant, and that variants that disrupt this residue are likely to be disease-causing. For these reasons, this variant has been classified as Pathogenic.

Blueprint Genetics
Classification: Likely pathogenic for PRPH2-related disorders. Last evaluated: 2021-08-31. Review status: criteria provided, single submitter. Criteria: ACMG Guidelines, 2015. Collection method: clinical testing. Allele origin: germline. Affected: yes. Observed: 1 variant allele.

Leiden Open Variation Database
Classification: Uncertain significance. Last evaluated: 2021-05-21. Review status: no assertion criteria provided. Collection method: curation. Allele origin: germline. Affected: yes. Not counted in ClinVar's aggregate classification.
Comment: Curator: Global Variome, with Curator vacancy. Submitter to LOVD: LOVD.

Literature cited by the submitters: PubMed 25472526 (cited by Labcorp Genetics (formerly Invitae), Labcorp and Leiden Open Variation Database); PubMed 29847639 (cited by Labcorp Genetics (formerly Invitae), Labcorp).

NM_000322.5(PRPH2):c.643A>C (p.Asn215His)

Gene: PRPH2 (peripherin 2; minus strand). Cytogenetic location: 6p21.1.
Variant type: single nucleotide variant.
Coding change: c.643A>C on transcript NM_000322.5 (MANE Select); coding-DNA position 643, A replaced by C.
Protein change: p.Asn215His; replaces asparagine 215 with histidine.
Molecular consequence: missense variant.
Genome position (GRCh38, 1-based): chr6:42,704,550, T>G on the plus strand (A>C on the coding strand, the complement: PRPH2 is on the minus strand). VCF-style: chr6-42704550-T-G. GRCh37 (hg19) VCF-style: chr6-42672288-T-G.
Other names: short protein forms N215H.
Identifiers: ClinVar variation 1175294 (VCV001175294.10), dbSNP rs2152005339, ClinGen allele CA364135561.